The following is an entry in ClinVar:

NM_001199138.2(NLRC4):c.1637T>G (p.Leu546Arg)

Gene: NLRC4 (NLR family CARD domain containing 4; minus strand). Cytogenetic location: 2p22.3.
Variant type: single nucleotide variant.
Coding change: c.1637T>G on transcript NM_001199138.2 (MANE Select); coding-DNA position 1637, T replaced by G.
Protein change: p.Leu546Arg; replaces leucine 546 with arginine.
Molecular consequence: missense variant. On other transcripts: intron variant (1).
Genome position (GRCh38, 1-based): chr2:32,250,227, A>C on the plus strand (T>G on the coding strand, the complement: NLRC4 is on the minus strand). VCF-style: chr2-32250227-A-C. GRCh37 (hg19) VCF-style: chr2-32475296-A-C.
Other names: c.1637T>G, p.Leu546Arg (NM_001199139.2, NM_021209.5); c.262+2192T>G (NM_001302504.1); short protein forms L546R.
Identifiers: ClinVar variation 1714299 (VCV001714299.5), dbSNP rs2466758750, ClinGen allele CA346512036.

ClinVar aggregate classification (germline): Uncertain significance (1 of 4 stars; one submission).

Conditions:
Familial cold autoinflammatory syndrome 4 (FCAS4). Identifiers: Orphanet 47045, Orphanet 576349, MedGen C4015276, MONDO:0014498, OMIM 616115.
Periodic fever-infantile enterocolitis-autoinflammatory syndrome. Also called: Autoinflammation with infantile enterocolitis. Identifiers: Orphanet 436166, MedGen C4015067, MONDO:0014472, OMIM 616050.

gnomAD v4.1: 2 of 1,614,218 alleles (0.00012%); highest among the groups gnomAD compares: Non-Finnish European, 0.00017%; no homozygotes.

Submission:

Labcorp Genetics (formerly Invitae), Labcorp
Classification: Uncertain significance for Periodic fever-infantile enterocolitis-autoinflammatory syndrome; Familial cold autoinflammatory syndrome 4. Last evaluated: 2023-12-22. Review status: criteria provided, single submitter. Criteria: Invitae Variant Classification Sherloc (09022015). Collection method: clinical testing. Allele origin: germline.
Comment: This sequence change replaces leucine, which is neutral and non-polar, with arginine, which is basic and polar, at codon 546 of the NLRC4 protein (p.Leu546Arg). This variant is not present in population databases (gnomAD no frequency). This variant has not been reported in the literature in individuals affected with NLRC4-related conditions. ClinVar contains an entry for this variant (Variation ID: 1714299). Advanced modeling of protein sequence and biophysical properties (such as structural, functional, and spatial information, amino acid conservation, physicochemical variation, residue mobility, and thermodynamic stability) performed at Invitae indicates that this missense variant is expected to disrupt NLRC4 protein function with a positive predictive value of 80%. In summary, the available evidence is currently insufficient to determine the role of this variant in disease. Therefore, it has been classified as a Variant of Uncertain Significance.